The following is an entry in ClinVar:

NM_005215.4(DCC):c.4059A>T (p.Pro1353=)

Gene: DCC (DCC netrin 1 receptor; plus strand). Cytogenetic location: 18q21.2.
Variant type: single nucleotide variant.
Coding change: c.4059A>T on transcript NM_005215.4 (MANE Select); coding-DNA position 4059, A replaced by T.
Protein change: p.Pro1353=; no amino-acid change (proline 1353 retained).
Molecular consequence: synonymous variant.
Genome position (GRCh38, 1-based): chr18:53,499,458, A>T. VCF-style: chr18-53499458-A-T. GRCh37 (hg19) VCF-style: chr18-51025828-A-T.
Identifiers: ClinVar variation 5040166 (VCV005040166.1).
Genomic context (GRCh38, chr18:53,499,458, plus strand): 5'-AGCTTGTGTTCGACCAACTCACCCACTCCGCAGCTTTGCTAATCCTTTGCTACCTCCACC[A>T]ATGAGTGCAATAGAACCGAAAGTCCCTTACACACCACTTTTGTCTCAGCCAGGTAAAGTA-3'
Protein context (NP_005206.2, residues 1343-1363): RSFANPLLPP[Pro1353=]MSAIEPKVPY

ClinVar aggregate classification (germline): Likely benign (1 of 4 stars; one submission).

Submission:

CeGaT Center for Human Genetics Tuebingen
Classification: Likely benign. Last evaluated: 2026-07-01. Review status: criteria provided, single submitter. Criteria: CeGaT Center For Human Genetics Tuebingen Variant Classification Criteria Version 2. Collection method: clinical testing. Allele origin: germline. Affected: yes. Observed: 1 variant allele.
Comment: DCC: PM2:Supporting, BP4, BP7